The following is an entry in ClinVar:

ClinVar aggregate classification (germline): Uncertain significance. Review status: criteria provided, multiple submitters, no conflicts (2 of 4 stars). 2 submissions from 2 submitters: Uncertain significance (2). Last evaluated 2024-05-30.

Conditions:
Polycystic kidney disease 2 (PKD2). Also called: POLYCYSTIC KIDNEY DISEASE, ADULT, TYPE II; Polycystic Kidney Disease 2, Autosomal Dominant; POLYCYSTIC KIDNEY DISEASE 2 WITH OR WITHOUT POLYCYSTIC LIVER DISEASE. Identifiers: MedGen C2751306, MONDO:0013131, OMIM 613095.

Submissions (2):

Mayo Clinic Laboratories, Mayo Clinic
Classification: Uncertain significance. Last evaluated: 2024-05-30. Review status: criteria provided, single submitter. Criteria: ACMG Guidelines, 2015. Collection method: clinical testing. Allele origin: germline. Observed: 1 variant allele.
Comment: PM2

Fulgent Genetics
Classification: Uncertain significance for Polycystic kidney disease 2. Last evaluated: 2024-01-10. Review status: criteria provided, single submitter. Criteria: ACMG Guidelines, 2015. Collection method: clinical testing. Allele origin: germline.

NM_000297.4(PKD2):c.1295A>G (p.Asn432Ser)

Gene: PKD2 (polycystin 2, transient receptor potential cation channel; plus strand). Cytogenetic location: 4q22.1.
Variant type: single nucleotide variant.
Coding change: c.1295A>G on transcript NM_000297.4 (MANE Select); coding-DNA position 1295, A replaced by G.
Protein change: p.Asn432Ser; replaces asparagine 432 with serine.
Molecular consequence: missense variant. On other transcripts: non-coding transcript variant (1).
Genome position (GRCh38, 1-based): chr4:88,043,433, A>G. VCF-style: chr4-88043433-A-G. GRCh37 (hg19) VCF-style: chr4-88964585-A-G.
Other names: p.Asn432Ser; short protein forms N432S.
Identifiers: ClinVar variation 3379547 (VCV003379547.2).